The following is an entry in ClinVar:

NM_002474.3(MYH11):c.1130C>T (p.Ala377Val)

Gene: MYH11 (myosin heavy chain 11; minus strand). Cytogenetic location: 16p13.11.
Variant type: single nucleotide variant.
Coding change: c.1130C>T on transcript NM_002474.3 (MANE Select); coding-DNA position 1130, C replaced by T.
Protein change: p.Ala377Val; replaces alanine 377 with valine.
Molecular consequence: missense variant.
Genome position (GRCh38, 1-based): chr16:15,760,658, G>A on the plus strand (C>T on the coding strand, the complement: MYH11 is on the minus strand). VCF-style: chr16-15760658-G-A. GRCh37 (hg19) VCF-style: chr16-15854515-G-A.
Other names: c.1151C>T, p.Ala384Val (NM_001040113.2, NM_001040114.2); c.1130C>T, p.Ala377Val (NM_022844.3); short protein forms A377V, A384V.
Identifiers: ClinVar variation 3071124 (VCV003071124.1), dbSNP rs2506413976, ClinGen allele CA394873171.

ClinVar aggregate classification (germline): Uncertain significance (1 of 4 stars; one submission).

Conditions:
Familial thoracic aortic aneurysm and aortic dissection (TAAD). Also called: Thoracic aortic aneurysms and dissections. Identifiers: Orphanet 91387, MedGen C4707243, MONDO:0019625.

Submission:

All of Us Research Program, National Institutes of Health
Classification: Uncertain significance for Familial thoracic aortic aneurysm and aortic dissection. Last evaluated: 2023-05-16. Review status: criteria provided, single submitter. Criteria: ACMG Guidelines, 2015. Collection method: clinical testing. Allele origin: germline. Inheritance: Autosomal dominant inheritance. Observed: 1 variant allele, 1 heterozygote.
Comment: This missense variant replaces alanine with valine at codon 384 of the MYH11 protein. Computational prediction suggests that this variant may not impact protein structure and function (internally defined REVEL score threshold <= 0.5, PMID: 27666373). To our knowledge, functional studies have not been reported for this variant. This variant has not been reported in individuals affected with MYH11-related disorders in the literature. This variant has not been identified in the general population by the Genome Aggregation Database (gnomAD). The available evidence is insufficient to determine the role of this variant in disease conclusively. Therefore, this variant is classified as a Variant of Uncertain Significance.

This study involves interpretation of variants in research participants for the purpose of population health screening. Participant phenotype was not available at the time of variant classification. Additional details can be found in publication PMID: 35346344, PMCID: PMC8962531